The following is an entry in ClinVar:

ClinVar aggregate classification (germline): Uncertain significance. Review status: criteria provided, multiple submitters, no conflicts (2 of 4 stars). 2 submissions from 2 submitters: Uncertain significance (2). Last evaluated 2022-12-01.

Conditions:
Emery-Dreifuss muscular dystrophy 5, autosomal dominant (EDMD5). Also called: EMERY-DREIFUSS MUSCULAR DYSTROPHY 5. Identifiers: Orphanet 261, MedGen C2751805, MONDO:0013072, OMIM 612999.

Allele frequency attached by ClinVar (database versions not stated): gnomAD exomes below 0.00001.
gnomAD v4.1: 2 of 1,611,380 alleles (0.00012%); highest among the groups gnomAD compares: Non-Finnish European, 0.00017%; no homozygotes.

Submissions (2):

CeGaT Center for Human Genetics Tuebingen
Classification: Uncertain significance. Last evaluated: 2022-12-01. Review status: criteria provided, single submitter. Criteria: CeGaT Center For Human Genetics Tuebingen Variant Classification Criteria Version 2. Collection method: clinical testing. Allele origin: germline. Affected: yes. Observed: 1 variant allele.
Comment: SYNE2: PM2

Revvity Omics, Revvity
Classification: Uncertain significance for Emery-Dreifuss muscular dystrophy 5, autosomal dominant. Last evaluated: 2019-05-28. Review status: criteria provided, single submitter. Criteria: ACMG Guidelines, 2015. Collection method: clinical testing. Allele origin: germline.

NM_182914.3(SYNE2):c.361C>A (p.Pro121Thr)

Gene: SYNE2 (spectrin repeat containing nuclear envelope protein 2; plus strand). Cytogenetic location: 14q23.2.
Variant type: single nucleotide variant.
Coding change: c.361C>A on transcript NM_182914.3 (MANE Select); coding-DNA position 361, C replaced by A.
Protein change: p.Pro121Thr; replaces proline 121 with threonine.
Molecular consequence: missense variant.
Genome position (GRCh38, 1-based): chr14:63,942,096, C>A. VCF-style: chr14-63942096-C-A. GRCh37 (hg19) VCF-style: chr14-64408814-C-A.
Other names: c.361C>A, p.Pro121Thr (NM_015180.6); short protein forms P121T.
Identifiers: ClinVar variation 2436797 (VCV002436797.27), dbSNP rs865957955, ClinGen allele CA389935992.
Genomic context (GRCh38, chr14:63,942,096, plus strand): 5'-CTTTTTGTTTTCCAGATTAAGCTAATAAATATTCATGTTACTGATATCATTGATGGAAAC[C>A]CATCCATTATCCTTGGCCTAATTTGGACAATTATCCTGCACTTTCATGTAAGTAGTTTGA-3'
Protein context (NP_878918.2, residues 111-131): IHVTDIIDGN[Pro121Thr]SIILGLIWTI